The following is an entry in ClinVar:

NM_000540.3(RYR1):c.6635T>A (p.Val2212Asp)

Gene: RYR1 (ryanodine receptor 1; plus strand). Cytogenetic location: 19q13.2.
Variant type: single nucleotide variant.
Coding change: c.6635T>A on transcript NM_000540.3 (MANE Select); coding-DNA position 6635, T replaced by A.
Protein change: p.Val2212Asp; replaces valine 2212 with aspartic acid.
Molecular consequence: missense variant.
Genome position (GRCh38, 1-based): chr19:38,496,301, T>A. VCF-style: chr19-38496301-T-A. GRCh37 (hg19) VCF-style: chr19-38986941-T-A.
Other names: c.6635T>A (NM_000540.2); c.6635T>A, p.Val2212Asp (NM_001042723.2); short protein forms V2212D.
Identifiers: ClinVar variation 133166 (VCV000133166.4), dbSNP rs193922793, ClinGen allele CA024628.

ClinVar aggregate classification (germline): Uncertain significance. Review status: reviewed by expert panel (3 of 4 stars). 2 submissions from 2 submitters: Uncertain significance (1). 1 of the submissions does not count toward it. Last evaluated 2025-08-01.

Conditions:
Malignant hyperthermia, susceptibility to, 1 (MHS1). Also called: RYR1-Related Malignant Hyperthermia Susceptibility; Malignant hyperthermia suceptibility 1; Anesthesia related hyperthermia; Malignant hyperpyrexia; Fulminating hyperpyrexia; Pharmacogenic myopathy. Identifiers: Orphanet 423, MedGen C2930980, MONDO:0007783, OMIM 145600.

Submissions (2):

ClinGen Malignant Hyperthermia Susceptibility Variant Curation Expert Panel, ClinGen
Classification: Uncertain significance for Malignant hyperthermia, susceptibility to, 1. Last evaluated: 2025-08-01. Review status: reviewed by expert panel. Criteria: ClinGen MHS ACMG Specifications V2. Collection method: curation. Allele origin: germline. Inheritance: Autosomal dominant inheritance.
Comment: This pathogenicity assessment is relevant only for malignant hyperthermia susceptibility (MHS) inherited in an autosomal dominant pattern. Variants in RYR1 can also cause other myopathies inherited in an autosomal dominant pattern or in an autosomal recessive pattern. Some of these disorders may predispose individuals to malignant hyperthermia. RYR1 variants may also contribute to a malignant hyperthermia reaction in combination with other genetic and non-genetic factors and the clinician needs to consider such factors in making management decisions. This sequence variant predicts a substitution of valine with aspartic acid at codon 2212 of the RYR1 protein, p.Val2212Asp. This variant was not present in a large population database (gnomAD) at the time this variant was interpreted. This variant has been reported in individuals with positive in vitro contracture test (IVCT) or caffeine halothane contracture test (CHCT) results but without sufficient information regarding MH events to consider the reports for informing PS4 (PMID:16835904, PMID:19191333). No functional studies were identified for this variant. This variant resides in a region of RYR1 considered to be a hotspot for pathogenic variants that contribute to MHS, PM1 (PMID: 21118704). A REVEL score >0.85 (0.973) supports a pathogenic status for this variant, PP3_Moderate. This variant has been classified as a Variant of Unknown Significance. Criteria implemented: PM1, PP3_Moderate.

RYR1 database
No classification provided. Review status: no classification provided. Collection method: not provided. Allele origin: unknown. Not counted in ClinVar's aggregate classification.